The following is an entry in ClinVar:

ClinVar aggregate classification (germline): Pathogenic (1 of 4 stars; one submission).

Submission:

GeneDx
Classification: Pathogenic. Last evaluated: 2019-12-23. Review status: criteria provided, single submitter. Criteria: GeneDx Variant Classification Process June 2021. Collection method: clinical testing. Allele origin: germline. Affected: yes.
Comment: Occurs in the triple helical domain and replaces the glycine in the canonical GlyX-Y repeat; missense substitution of a canonical glycine residue is expected to disrupt normal protein folding and function, and this is an established mechanism of disease (Stenson et al., 2014); Not observed in large population cohorts (Lek et al., 2016); In silico analysis, which includes protein predictors and evolutionary conservation, supports a deleterious effect; This variant is associated with the following publications: (PMID: 17078022, 21239989)

NM_000089.4(COL1A2):c.2144G>A (p.Gly715Asp)

Gene: COL1A2 (collagen type I alpha 2 chain; plus strand). Cytogenetic location: 7q21.3.
Variant type: single nucleotide variant.
Coding change: c.2144G>A on transcript NM_000089.4 (MANE Select); coding-DNA position 2144, G replaced by A.
Protein change: p.Gly715Asp; replaces glycine 715 with aspartic acid.
Molecular consequence: missense variant.
Genome position (GRCh38, 1-based): chr7:94,420,401, G>A. VCF-style: chr7-94420401-G-A. GRCh37 (hg19) VCF-style: chr7-94049713-G-A.
Other names: short protein forms G715D.
Identifiers: ClinVar variation 1186681 (VCV001186681.2), dbSNP rs72658167, ClinGen allele CA162935678.
Genomic context (GRCh38, chr7:94,420,401, plus strand): 5'-TGATGAACCTAGGATTGATAACACATTTTTAAATCCCTTCTCCCACCTAGGGTGAACGTG[G>A]TGAGGTCGGTCCTGCTGGCCCCAATGGATTTGCTGGTCCTGCTGTGAGTATCACATAATG-3'
Protein context (NP_000080.2, residues 705-725): AGPRGSPGER[Gly715Asp]EVGPAGPNGF